The following is an entry in ClinVar:

NM_021072.4(HCN1):c.814T>C (p.Ser272Pro)

Gene: HCN1 (hyperpolarization activated cyclic nucleotide gated potassium channel 1; minus strand). Cytogenetic location: 5p12.
Variant type: single nucleotide variant.
Coding change: c.814T>C on transcript NM_021072.4 (MANE Select); coding-DNA position 814, T replaced by C.
Protein change: p.Ser272Pro; replaces serine 272 with proline.
Molecular consequence: missense variant.
Genome position (GRCh38, 1-based): chr5:45,645,220, A>G on the plus strand (T>C on the coding strand, the complement: HCN1 is on the minus strand). VCF-style: chr5-45645220-A-G. GRCh37 (hg19) VCF-style: chr5-45645322-A-G.
Other names: short protein forms S272P.
Identifiers: ClinVar variation 139573 (VCV000139573.6), dbSNP rs587777493, ClinGen allele CA163273.
Genomic context (GRCh38, chr5:45,645,220, plus strand): 5'-TAAAAAAGAAAAAGATGCATCTTACCTCTTCCCATTGATGTATGTATCTAATTAACCTTG[A>G]AAGTCGTAATAAACGCAAGAGACTGAGAATTTTTGTAAACCTCACAATGCGAAGTGCCCT-3'
Protein context (NP_066550.2, residues 262-282): ILSLLRLLRL[Ser272Pro]RLIRYIHQWE

ClinVar aggregate classification (germline): Pathogenic. Review status: criteria provided, multiple submitters, no conflicts (2 of 4 stars). 3 submissions from 3 submitters: Pathogenic (2). 1 of the submissions does not count toward it. Last evaluated 2021-11-03.

Conditions:
Developmental and epileptic encephalopathy, 24 (DEE24). Also called: Epileptic encephalopathy, early infantile, 24. Identifiers: Orphanet 442835, MedGen C4014531, MONDO:0014377, OMIM 615871.

Submissions (3):

Institute for Clinical Genetics, University Hospital TU Dresden, University Hospital TU Dresden
Classification: Pathogenic. Last evaluated: 2021-11-03. Review status: criteria provided, single submitter. Criteria: ACMG Guidelines, 2015. Collection method: clinical testing. Allele origin: germline.

GeneDx
Classification: Pathogenic. Last evaluated: 2017-02-02. Review status: criteria provided, single submitter. Criteria: GeneDx Variant Classification (06012015). Collection method: clinical testing. Allele origin: germline. Affected: yes.
Comment: The S272P variant in the HCN1 gene has been reported previously as de novo in one individual with early infantile epileptic encephalopathy (Nava et al., 2014). The S272P variant is not observed in large population cohorts (Lek et al., 2016; 1000 Genomes Consortium et al., 2015; Exome Variant Server). The S272P variant is a non-conservative amino acid substitution, which is likely to impact secondary protein structure as these residues differ in polarity, charge, size and/or other properties. This substitution occurs at a position that is conserved across species. Functional studies demonstrate that S272P exhibits a dominant-negative effect with loss of current and decreased number of channels present at the plasma membrane (Nava et al., 2014). Therefore, we interpret S272P as a pathogenic variant.

OMIM
Classification: Pathogenic for DEVELOPMENTAL AND EPILEPTIC ENCEPHALOPATHY 24. Last evaluated: 2014-06-01. Review status: no assertion criteria provided. Collection method: literature only. Allele origin: germline. Not counted in ClinVar's aggregate classification.

Literature cited by the submitters: PubMed 24747641 (cited by OMIM).